The following is an entry in ClinVar:

ClinVar aggregate classification (germline): Conflicting classifications of pathogenicity. Review status: criteria provided, conflicting classifications (1 of 4 stars). 5 submissions from 5 submitters: Uncertain significance (2); Likely benign (2). 1 of the submissions does not count toward it. Last evaluated 2026-02-13.

Conditions:
Inborn genetic diseases. Identifiers: MedGen C0950123, MeSH D030342.
Microcephaly with or without chorioretinopathy, lymphedema, or impaired intellectual development. Also called: Microcephaly with or without chorioretinopathy, lymphedema, or mental retardation; MICROCEPHALY AND CHORIORETINOPATHY WITH OR WITHOUT MENTAL RETARDATION, AUTOSOMAL DOMINANT; Microcephaly lymphedema chorioretinal dysplasia; MICROCEPHALY, LYMPHEDEMA, CHORIORETINAL DYSPLASIA SYNDROME; Microcephaly with or without chorioretinopathy, lymphedema, or intellectual disability. Identifiers: Orphanet 2526, MedGen C1835265, MONDO:0007918, OMIM 152950.
KIF11-related disorder. Also called: KIF11-related condition.

Allele frequency attached by ClinVar (database versions not stated): ExAC 0.00002; TOPMed 0.00009; gnomAD exomes 0.00001 and 0.00002; gnomAD 0.00006.
gnomAD v4.1: 25 of 1,611,634 alleles (0.0016%); highest among the groups gnomAD compares: African/African-American, 0.024%; no homozygotes.

Submissions (5):

PreventionGenetics, part of Exact Sciences
Classification: Likely benign for KIF11-related condition. Last evaluated: 2026-02-13. Review status: criteria provided, single submitter. Criteria: ACMG Guidelines, 2015. Collection method: clinical testing. Allele origin: germline.
Comment: This variant is classified as likely benign based on ACMG/AMP sequence variant interpretation guidelines (Richards et al. 2015 PMID: 25741868, with internal and published modifications).

Labcorp Genetics (formerly Invitae), Labcorp
Classification: Likely benign. Last evaluated: 2025-07-22. Review status: criteria provided, single submitter. Criteria: Invitae Variant Classification Sherloc (09022015). Collection method: clinical testing. Allele origin: germline.

Women's Health and Genetics/Laboratory Corporation of America, LabCorp
Classification: Uncertain significance. Last evaluated: 2024-11-26. Review status: criteria provided, single submitter. Criteria: LabCorp Variant Classification Summary - May 2015. Collection method: clinical testing. Allele origin: germline.
Comment: Variant summary: KIF11 c.980G>A (p.Arg327His) results in a non-conservative amino acid change in the encoded protein sequence. Five of five in-silico tools predict a damaging effect of the variant on protein function. The variant allele was found at a frequency of 1.6e-05 in 251170 control chromosomes. The available data on variant occurrences in the general population are insufficient to allow any conclusion about variant significance. To our knowledge, no occurrence of c.980G>A in individuals affected with Microcephaly With Or Without Chorioretinopathy, Lymphedema, Or Intellectual Disability and no experimental evidence demonstrating its impact on protein function have been reported. ClinVar contains an entry for this variant (Variation ID: 592131). Based on the evidence outlined above, the variant was classified as uncertain significance.

Ambry Genetics
Classification: Uncertain significance for Inborn genetic diseases. Last evaluated: 2023-01-27. Review status: criteria provided, single submitter. Criteria: Ambry Variant Classification Scheme 2023. Collection method: clinical testing. Allele origin: germline.

Biochemical Molecular Genetic Laboratory, King Abdulaziz Medical City
Classification: Uncertain significance for Microcephaly with or without chorioretinopathy, lymphedema, or impaired intellectual development. Last evaluated: 2018-07-14. Review status: no assertion criteria provided. Collection method: clinical testing. Allele origin: germline. Affected: yes. Not counted in ClinVar's aggregate classification.

NM_004523.4(KIF11):c.980G>A (p.Arg327His)

Gene: KIF11 (kinesin family member 11; plus strand). Cytogenetic location: 10q23.33.
Variant type: single nucleotide variant.
Coding change: c.980G>A on transcript NM_004523.4 (MANE Select); coding-DNA position 980, G replaced by A.
Protein change: p.Arg327His; replaces arginine 327 with histidine.
Molecular consequence: missense variant.
Genome position (GRCh38, 1-based): chr10:92,613,567, G>A. VCF-style: chr10-92613567-G-A. GRCh37 (hg19) VCF-style: chr10-94373324-G-A.
Other names: short protein forms R327H.
Identifiers: ClinVar variation 592131 (VCV000592131.14), dbSNP rs746977730, ClinGen allele CA5604088.